The following is an entry in ClinVar:

ClinVar aggregate classification (germline): Pathogenic. Review status: criteria provided, multiple submitters, no conflicts (2 of 4 stars). 2 submissions from 2 submitters: Pathogenic (2). Last evaluated 2026-01-31.

Conditions:
Autism spectrum disorder due to AUTS2 deficiency (MRD26). Also called: INTELLECTUAL DEVELOPMENTAL DISORDER, AUTOSOMAL DOMINANT 26. Identifiers: Orphanet 352490, MedGen C4014435, MONDO:0014361, OMIM 615834.

Submissions (2):

3billion
Classification: Pathogenic for Autism spectrum disorder due to AUTS2 deficiency. Last evaluated: 2026-01-31. Review status: criteria provided, single submitter. Criteria: ACMG Guidelines, 2015. Collection method: clinical testing. Allele origin: germline. Affected: yes.
Comment: The variant is not observed in the gnomAD v4.1.0 dataset. Predicted Consequence/Location: Stop-gained (nonsense): predicted to result in a loss or disruption of normal protein function through nonsense-mediated decay (NMD) or protein truncation. Multiple pathogenic variants are reported downstream of the variant. The variant has been reported to be associated with AUTS2-related disorder (ClinVar ID: VCV001805683). Therefore, this variant is classified as Pathogenic according to the recommendation of ACMG/AMP guideline.

Victorian Clinical Genetics Services, Murdoch Childrens Research Institute
Classification: Pathogenic for Autism spectrum disorder due to AUTS2 deficiency. Last evaluated: 2021-05-06. Review status: criteria provided, single submitter. Criteria: ACMG Guidelines, 2015. Collection method: clinical testing. Allele origin: germline. Inheritance: Autosomal dominant inheritance. Affected: yes.
Comment: Based on the classification scheme VCGS_Germline_v1.3.4, this variant is classified as Pathogenic. Following criteria are met: 0102 - Loss of function is a known mechanism of disease in this gene and is associated with AUTS2-associated intellectual disability (MIM#615834). (I) 0107 - This gene is associated with autosomal dominant disease. (I) 0201 - Variant is predicted to cause nonsense-mediated decay (NMD) and loss of protein (premature termination codon is located at least 54 nucleotides upstream of the final exon-exon junction). (SP 0251 - This variant is heterozygous. (I) 0301 - Variant is absent from gnomAD (both v2 and v3). (SP) 0701 - Other NMD-predicted variants comparable to the one identified in this case have very strong previous evidence for pathogenicity. These variants have been reported as pathogenic, and observed in patients with syndromic intellectual disability (Decipher, PMID: 25205402). (SP) 0807 - This variant has no previous evidence of pathogenicity. (I) 0905 - No published segregation evidence has been identified for this variant. (I) 1007 - No published functional evidence has been identified for this variant. (I) 1208 - Inheritance information for this variant is not currently available in this individual. (I) Legend: (SP) - Supporting pathogenic, (I) - Information, (SB) - Supporting benign

Literature cited by the submitters: PubMed 25205402 (cited by Victorian Clinical Genetics Services, Murdoch Childrens Research Institute).

NM_015570.4(AUTS2):c.1135C>T (p.Gln379Ter)

Gene: AUTS2 (activator of transcription and developmental regulator AUTS2; plus strand). Cytogenetic location: 7q11.22.
Variant type: single nucleotide variant.
Coding change: c.1135C>T on transcript NM_015570.4 (MANE Select); coding-DNA position 1135, C replaced by T.
Protein change: p.Gln379Ter; replaces glutamine 379 with a stop codon.
Molecular consequence: nonsense.
Genome position (GRCh38, 1-based): chr7:70,763,262, C>T. VCF-style: chr7-70763262-C-T. GRCh37 (hg19) VCF-style: chr7-70228248-C-T.
Other names: c.1135C>T, p.Gln379Ter (NM_001127231.3); short protein forms Q379*.
Identifiers: ClinVar variation 1805683 (VCV001805683.2), dbSNP rs2484642297, ClinGen allele CA367667914.